The following is an entry in ClinVar:

ClinVar aggregate classification (germline): Uncertain significance. Review status: criteria provided, multiple submitters, no conflicts (2 of 4 stars). 2 submissions from 2 submitters: Uncertain significance (2). Last evaluated 2024-01-04.

Conditions:
Hereditary cancer-predisposing syndrome. Also called: Hereditary neoplastic syndrome; Neoplastic Syndromes, Hereditary; Hereditary Cancer Syndrome; Tumor predisposition. Identifiers: Orphanet 140162, MedGen C0027672, MeSH D009386, MONDO:0015356.
DICER1-related tumor predisposition. Also called: DICER1 syndrome; DICER1-related pleuropulmonary blastoma cancer predisposition syndrome. Identifiers: Orphanet 284343, MedGen C3839822, MONDO:0100216.

Submissions (2):

Ambry Genetics
Classification: Uncertain significance for Hereditary cancer-predisposing syndrome. Last evaluated: 2024-01-04. Review status: criteria provided, single submitter. Criteria: Ambry Variant Classification Scheme 2023. Collection method: clinical testing. Allele origin: germline.

Labcorp Genetics (formerly Invitae), Labcorp
Classification: Uncertain significance for DICER1-related tumor predisposition. Last evaluated: 2022-03-16. Review status: criteria provided, single submitter. Criteria: Invitae Variant Classification Sherloc (09022015). Collection method: clinical testing. Allele origin: germline.
Comment: In summary, the available evidence is currently insufficient to determine the role of this variant in disease. Therefore, it has been classified as a Variant of Uncertain Significance. Algorithms developed to predict the effect of missense changes on protein structure and function are either unavailable or do not agree on the potential impact of this missense change (SIFT: "Tolerated"; PolyPhen-2: "Probably Damaging"; Align-GVGD: "Class C15"). This variant has not been reported in the literature in individuals affected with DICER1-related conditions. This variant is not present in population databases (gnomAD no frequency). This sequence change replaces tyrosine, which is neutral and polar, with cysteine, which is neutral and slightly polar, at codon 1694 of the DICER1 protein (p.Tyr1694Cys).

NM_177438.3(DICER1):c.5081A>G (p.Tyr1694Cys)

Gene: DICER1 (dicer 1, ribonuclease III; minus strand). Cytogenetic location: 14q32.13.
Variant type: single nucleotide variant.
Coding change: c.5081A>G on transcript NM_177438.3 (MANE Select); coding-DNA position 5081, A replaced by G.
Protein change: p.Tyr1694Cys; replaces tyrosine 1694 with cysteine.
Molecular consequence: missense variant.
Genome position (GRCh38, 1-based): chr14:95,095,839, T>C on the plus strand (A>G on the coding strand, the complement: DICER1 is on the minus strand). VCF-style: chr14-95095839-T-C. GRCh37 (hg19) VCF-style: chr14-95562176-T-C.
Other names: c.5081A>G (NM_177438.2); c.5081A>G, p.Tyr1694Cys (NM_001195573.1, NM_001271282.3, NM_001291628.2 and 1 more transcripts); short protein forms Y1694C.
Identifiers: ClinVar variation 1395754 (VCV001395754.10), dbSNP rs1890257592, ClinGen allele CA390865909.
Genomic context (GRCh38, chr14:95,095,839, plus strand): 5'-AAAGTCTCATTTTCCCAGAAATGAAGTCTGGTCGTGGGCTCCTTACCAGTGATAGTATTG[T>C]AGTGGTAGGAGGCATGTGTAAAAGCCTGGAGAAGGTAAGCCTTATTCTTGAATCTGTAGT-3'
Protein context (NP_803187.1, residues 1684-1704): LQAFTHASYH[Tyr1694Cys]NTITDCYQRL